The following is an entry in ClinVar:

NM_001360016.2(G6PD):c.1316G>A (p.Arg439His)

Gene: G6PD (glucose-6-phosphate dehydrogenase; minus strand). Cytogenetic location: Xq28.
Variant type: single nucleotide variant.
Coding change: c.1316G>A on transcript NM_001360016.2 (MANE Select); coding-DNA position 1316, G replaced by A.
Protein change: p.Arg439His; replaces arginine 439 with histidine.
Molecular consequence: missense variant.
Genome position (GRCh38, 1-based): chrX:154,532,434, C>T on the plus strand (G>A on the coding strand, the complement: G6PD is on the minus strand). VCF-style: chrX-154532434-C-T. GRCh37 (hg19) VCF-style: chrX-153760649-C-T.
Other names: c.1406G>A, p.Arg469His (NM_000402.4); c.1316G>A, p.Arg439His (NM_001042351.3); short protein forms R439H, R469H.
Identifiers: ClinVar variation 3339512 (VCV003339512.1).

ClinVar aggregate classification (germline): Uncertain significance (1 of 4 stars; one submission).

Conditions:
Anemia, nonspherocytic hemolytic, due to G6PD deficiency (CNSHA1). Also called: Hemolytic anemia due to G6PD deficiency; Class I glucose-6-phosphate dehydrogenase deficiency; Favism, susceptibility to; ANEMIA, CONGENITAL, NONSPHEROCYTIC HEMOLYTIC, 1. Identifiers: Orphanet 466026, MedGen C2720289, MONDO:0010480, OMIM 300908.

gnomAD v4.1: 1 of 1,211,337 alleles (0.000083%); highest among the groups gnomAD compares: Non-Finnish European, 0.00011%; no homozygotes.

Submission:

Dunham Lab, University of Washington
Classification: Uncertain significance for Anemia, nonspherocytic hemolytic, due to G6PD deficiency. Last evaluated: 2024-09-01. Review status: criteria provided, single submitter. Criteria: ACMG Guidelines, 2015. Collection method: curation. Allele origin: unknown. Affected: yes.
Comment: Not found in gnomAD (PM2). Affects same amino acid as pathogenic 439R>C (ClinVar ID 1206418) and 439R>P (ClinVar ID 10399) (PM5). Post_P 0.813 (odds of pathogenicity 39.00, Prior_P 0.1).

Literature cited by the submitters: PubMed 38970298.